The following is an entry in ClinVar:

NM_002887.4(RARS1):c.701+20G>A

Gene: RARS1 (arginyl-tRNA synthetase 1; plus strand). Cytogenetic location: 5q34.
Variant type: single nucleotide variant.
Coding change: c.701+20G>A on transcript NM_002887.4 (MANE Select); 20 bases into the intron after coding-DNA position 701, G replaced by A.
Molecular consequence: intron variant.
Genome position (GRCh38, 1-based): chr5:168,495,456, G>A. VCF-style: chr5-168495456-G-A. GRCh37 (hg19) VCF-style: chr5-167922461-G-A.
Identifiers: ClinVar variation 383043 (VCV000383043.11), dbSNP rs141824927, ClinGen allele CA3549686.

ClinVar aggregate classification (germline): Benign/Likely benign. Review status: criteria provided, multiple submitters, no conflicts (2 of 4 stars). 4 submissions from 4 submitters: Benign (1); Likely benign (3). Last evaluated 2026-01-27.

Allele frequency attached by ClinVar (database versions not stated): 1000 Genomes Project 0.00220; 1000 Genomes Project 30x 0.00250; ExAC 0.00255; gnomAD exomes 0.00272 and 0.00478; gnomAD 0.00308; ESP Exome Variant Server 0.00346; TOPMed 0.00361.
gnomAD v4.1: 7,371 of 1,599,784 alleles (0.46%); highest among the groups gnomAD compares: Non-Finnish European, 0.56%; 22 homozygotes.

Submissions (4):

Labcorp Genetics (formerly Invitae), Labcorp
Classification: Benign. Last evaluated: 2026-01-27. Review status: criteria provided, single submitter. Criteria: Invitae Variant Classification Sherloc (09022015). Collection method: clinical testing. Allele origin: germline.

Blueprint Genetics
Classification: Likely benign. Last evaluated: 2024-11-19. Review status: criteria provided, single submitter. Criteria: ACMG Guidelines, 2015. Collection method: clinical testing. Allele origin: germline.

GeneDx
Classification: Likely benign. Last evaluated: 2017-12-13. Review status: criteria provided, single submitter. Criteria: GeneDx Variant Classification (06012015). Collection method: clinical testing. Allele origin: germline. Affected: yes.
Comment: This variant is considered likely benign or benign based on one or more of the following criteria: it is a conservative change, it occurs at a poorly conserved position in the protein, it is predicted to be benign by multiple in silico algorithms, and/or has population frequency not consistent with disease.

Breakthrough Genomics
Classification: Likely benign. Review status: criteria provided, single submitter. Criteria: ACMG Guidelines, 2015. Collection method: not provided. Allele origin: germline. Inheritance: Autosomal recessive inheritance. Affected: yes.